The following is an entry in ClinVar:

NM_000088.4(COL1A1):c.750+16_750+17insGCTGTTGGTGCTTCCTGGCTTCCCTGGTGCTGTTGGTGCTAAGGTGAGACCCCCCACTCTCCTCTAAGCATGACCCTCATGGGCCAAGGGGTTCATGTCTCCCTGTTCCCCAAACCAAAGGGACCCAGAGTGGCAAGAGAGCAGCCCGTTCACTAACACCTTTGTCCTGGGGTCTCCGTCTCTGATCTTAGAGTCCTGATCA

Genes: COL1A1 (collagen type I alpha 1 chain; minus strand), LOC126862586 (CDK7 strongly-dependent group 2 enhancer GRCh37_chr17:48273702-48274901; plus strand). Cytogenetic location: 17q21.33.
Variant type: Insertion.
Coding change: c.750+16_750+17insGCTGTTGGTGCTTCCTGGCTTCCCTGGTGCTGTTGGTGCTAAGGTGAGACCCCCCACTCTCCTCTAAGCATGACCCTCATGGGCCAAGGGGTTCATGTCTCCCTGTTCCCCAAACCAAAGGGACCCAGAGTGGCAAGAGAGCAGCCCGTTCACTAACACCTTTGTCCTGGGGTCTCCGTCTCTGATCTTAGAGTCCTGATCA on transcript NM_000088.4 (MANE Select); bases 16 to 17 of the intron after coding-DNA position 750, GCTGTTGGTGCTTCCTGGCTTCCCTGGTGCTGTTGGTGCTAAGGTGAGACCCCCCACTCTCCTCTAAGCATGACCCTCATGGGCCAAGGGGTTCATGTCTCCCTGTTCCCCAAACCAAAGGGACCCAGAGTGGCAAGAGAGCAGCCCGTTCACTAACACCTTTGTCCTGGGGTCTCCGTCTCTGATCTTAGAGTCCTGATCA inserted.
Molecular consequence: intron variant.
Genome position: GRCh38: chr17:50,197,168-50,197,169. GRCh37 (hg19): chr17:48,274,529-48,274,530.
Identifiers: ClinVar variation 2701334 (VCV002701334.3), dbSNP rs2509241757, ClinGen allele CA2697560375.

ClinVar aggregate classification (germline): Likely pathogenic (1 of 4 stars; one submission).

Conditions:
Osteogenesis imperfecta type I (OI1). Also called: Lobstein's Disease; Lobstein disease; OI, TYPE I; OSTEOGENESIS IMPERFECTA TARDA; OSTEOGENESIS IMPERFECTA WITH BLUE SCLERAE; Osteogenesis imperfecta type 1. Identifiers: Orphanet 216796, Orphanet 666, MedGen C0023931, MONDO:0008146, OMIM 166200. Disease mechanism: loss of function.

Submission:

Labcorp Genetics (formerly Invitae), Labcorp
Classification: Likely pathogenic for Osteogenesis imperfecta type I. Last evaluated: 2023-12-27. Review status: criteria provided, single submitter. Criteria: Invitae Variant Classification Sherloc (09022015). Collection method: clinical testing. Allele origin: germline.
Comment: This sequence change falls in intron 10 of the COL1A1 gene. It does not directly change the encoded amino acid sequence of the COL1A1 protein. This variant is not present in population databases (gnomAD no frequency). This variant has been observed in individual(s) with clinical features of autosomal dominant osteogenesis imperfecta (Invitae). In at least one individual the variant was observed to be de novo. Experimental studies and prediction algorithms are not available or were not evaluated, and the effect of this variant on mRNA splicing is currently unknown. In summary, the currently available evidence indicates that the variant is pathogenic, but additional data are needed to prove that conclusively. Therefore, this variant has been classified as Likely Pathogenic.